The following is an entry in ClinVar:

ClinVar aggregate classification (germline): Pathogenic (1 of 4 stars; one submission).

Conditions:
Hereditary diffuse gastric adenocarcinoma (HDGC). Also called: DIFFUSE GASTRIC AND LOBULAR BREAST CANCER SYNDROME. Identifiers: Orphanet 26106, MedGen C1708349, MONDO:0007648, OMIM 137215.

Submission:

Labcorp Genetics (formerly Invitae), Labcorp
Classification: Pathogenic for Hereditary diffuse gastric adenocarcinoma. Last evaluated: 2019-10-03. Review status: criteria provided, single submitter. Criteria: Invitae Variant Classification Sherloc (09022015). Collection method: clinical testing. Allele origin: germline.
Comment: For these reasons, this variant has been classified as Pathogenic. Loss-of-function variants in CDH1 are known to be pathogenic (PMID: 15235021, 20373070). This variant has not been reported in the literature in individuals with CDH1-related conditions. This variant is not present in population databases (ExAC no frequency). This sequence change creates a premature translational stop signal (p.Cys28Alafs*28) in the CDH1 gene. It is expected to result in an absent or disrupted protein product.

Literature cited by the submitters: PubMed 15235021; PubMed 20373070.

NM_004360.5(CDH1):c.82del (p.Cys28fs)

Gene: CDH1 (cadherin 1; plus strand). Cytogenetic location: 16q22.1.
Variant type: Deletion.
Coding change: c.82del on transcript NM_004360.5 (MANE Select); coding-DNA position 82, one base deleted (T; older notation c.82delT).
Protein change: p.Cys28fs; shifts the reading frame from cysteine 28.
Molecular consequence: frameshift variant. On other transcripts: 5 prime UTR variant (2).
Genome position (GRCh38, 1-based): chr16:68,738,330, T deleted. VCF-style (leftmost placement, unchanged base first): chr16-68738329-CT-C. GRCh37 (hg19) VCF-style: chr16-68772232-CT-C.
Other names: c.82del, p.Cys28fs (NM_001317184.2); c.-1534del (NM_001317185.2); c.-1738del (NM_001317186.2); short protein forms C28fs.
Identifiers: ClinVar variation 945113 (VCV000945113.8), dbSNP rs1962457888, ClinGen allele CA1139664743.